The following is an entry in ClinVar:

ClinVar aggregate classification (germline): Benign (1 of 4 stars; one submission).

Allele frequency attached by ClinVar (database versions not stated): 1000 Genomes Project 0.58247; 1000 Genomes Project 30x 0.59088; TOPMed 0.63249.
gnomAD v4.1: 94,072 of 152,144 alleles (62%); highest among the groups gnomAD compares: African/African-American, 81%; 30,372 homozygotes.

Submission:

GeneDx
Classification: Benign. Last evaluated: 2018-06-14. Review status: criteria provided, single submitter. Criteria: GeneDx Variant Classification (06012015). Collection method: clinical testing. Allele origin: germline. Affected: yes.
Comment: This variant is considered likely benign or benign based on one or more of the following criteria: it is a conservative change, it occurs at a poorly conserved position in the protein, it is predicted to be benign by multiple in silico algorithms, and/or has population frequency not consistent with disease.

NM_000260.4(MYO7A):c.3925-169C>T

Gene: MYO7A (myosin VIIA; plus strand). Cytogenetic location: 11q13.5.
Variant type: single nucleotide variant.
Coding change: c.3925-169C>T on transcript NM_000260.4 (MANE Select); 169 bases into the intron before coding-DNA position 3925, C replaced by T.
Molecular consequence: intron variant.
Genome position (GRCh38, 1-based): chr11:77,191,882, C>T. VCF-style: chr11-77191882-C-T. GRCh37 (hg19) VCF-style: chr11-76902927-C-T.
Other names: c.3892-169C>T (NM_001369365.1); c.3925-169C>T (NM_001127180.2).
Identifiers: ClinVar variation 678833 (VCV000678833.1), dbSNP rs7952285, ClinGen allele CA13533914.
Genomic context (GRCh38, chr11:77,191,882, plus strand): 5'-AATGGGAATTCCCACGTCACCGTGCCCAGAACTGAGGCTAGGAAGGCAATGGTGGGGGTG[C>T]GGCTTAGAGCCCAGGGCTAGAATCTGGTCTGCCTCCTGGGGGCCTTGGACGTGTCCCTGC-3'